The following is an entry in ClinVar:

NM_001290060.2(SEMA3B):c.1291A>G (p.Thr431Ala)

Gene: SEMA3B (semaphorin 3B; plus strand). Cytogenetic location: 3p21.31.
Variant type: single nucleotide variant.
Coding change: c.1291A>G on transcript NM_001290060.2 (MANE Select); coding-DNA position 1291, A replaced by G.
Protein change: p.Thr431Ala; replaces threonine 431 with alanine.
Molecular consequence: missense variant. On other transcripts: non-coding transcript variant (1).
Genome position (GRCh38, 1-based): chr3:50,274,516, A>G. VCF-style: chr3-50274516-A-G. GRCh37 (hg19) VCF-style: chr3-50311947-A-G.
Other names: c.1288A>G, p.Thr430Ala (NM_001005914.3); c.1306A>G, p.Thr436Ala (NM_001290061.1); c.262A>G, p.Thr88Ala (NM_001290062.2, NM_001290063.2); c.1291A>G, p.Thr431Ala (NM_004636.4); short protein forms T430A, T431A, T436A, T88A.
Identifiers: ClinVar variation 3349772 (VCV003349772.1).

ClinVar aggregate classification (germline): Uncertain significance (0 of 4 stars; one submission).

Conditions:
SEMA3B-related disorder. Also called: SEMA3B-related condition.

gnomAD v4.1: 1 of 1,572,662 alleles (0.000064%); highest among the groups gnomAD compares: South Asian, 0.0012%; no homozygotes.

Submission:

PreventionGenetics, part of Exact Sciences
Classification: Uncertain significance for SEMA3B-related condition. Last evaluated: 2024-03-20. Review status: no assertion criteria provided. Collection method: clinical testing. Allele origin: germline.
Comment: The SEMA3B c.1306A>G variant is predicted to result in the amino acid substitution p.Thr436Ala. To our knowledge, this variant has not been reported in the literature or in a large population database, indicating this variant is rare. At this time, the clinical significance of this variant is uncertain due to the absence of conclusive functional and genetic evidence.